The following is an entry in ClinVar:

NM_004990.4(MARS1):c.119del (p.Val40fs)

Gene: MARS1 (methionyl-tRNA synthetase 1; plus strand). Cytogenetic location: 12q13.3.
Variant type: Deletion.
Coding change: c.119del on transcript NM_004990.4 (MANE Select); coding-DNA position 119, one base deleted (T; older notation c.119delT).
Protein change: p.Val40fs; shifts the reading frame from valine 40.
Molecular consequence: frameshift variant.
Genome position (GRCh38, 1-based): chr12:57,489,028, T deleted. VCF-style (leftmost placement, unchanged base first): chr12-57489027-GT-G. GRCh37 (hg19) VCF-style: chr12-57882810-GT-G.
Other names: short protein forms V40fs.
Identifiers: ClinVar variation 2126891 (VCV002126891.4), dbSNP rs2540254201, ClinGen allele CA2580086524.

ClinVar aggregate classification (germline): Uncertain significance (1 of 4 stars; one submission).

Conditions:
Charcot-Marie-Tooth disease axonal type 2U. Also called: CHARCOT-MARIE-TOOTH NEUROPATHY, TYPE 2U; CHARCOT-MARIE-TOOTH DISEASE, AXONAL, AUTOSOMAL DOMINANT, TYPE 2U. Identifiers: Orphanet 397735, MedGen C4084821, MONDO:0014566, OMIM 616280.
Severe early-onset pulmonary alveolar proteinosis due to MARS deficiency. Also called: PULMONARY ALVEOLAR PROTEINOSIS, REUNION ISLAND; Interstitial lung and liver disease. Identifiers: Orphanet 440427, MedGen C4225400, MONDO:0014206, OMIM 615486.

Allele frequency attached by ClinVar (database versions not stated): gnomAD exomes below 0.00001.

Submission:

Labcorp Genetics (formerly Invitae), Labcorp
Classification: Uncertain significance for Charcot-Marie-Tooth disease axonal type 2U; Severe early-onset pulmonary alveolar proteinosis due to MARS deficiency. Last evaluated: 2022-04-16. Review status: criteria provided, single submitter. Criteria: Invitae Variant Classification Sherloc (09022015). Collection method: clinical testing. Allele origin: germline.
Comment: In summary, the available evidence is currently insufficient to determine the role of this variant in disease. Therefore, it has been classified as a Variant of Uncertain Significance. This variant has not been reported in the literature in individuals affected with MARS-related conditions. This variant is not present in population databases (gnomAD no frequency). This sequence change creates a premature translational stop signal (p.Val40Alafs*4) in the MARS gene. It is expected to result in an absent or disrupted protein product. However, the current clinical and genetic evidence is not sufficient to establish whether loss-of-function variants in MARS cause disease.